The following is an entry in ClinVar:

ClinVar aggregate classification (germline): Uncertain significance. Review status: criteria provided, multiple submitters, no conflicts (2 of 4 stars). 2 submissions from 2 submitters: Uncertain significance (2). Last evaluated 2025-08-20.

Conditions:
Hereditary cancer-predisposing syndrome. Also called: Neoplastic Syndromes, Hereditary; Tumor predisposition; Hereditary neoplastic syndrome; Hereditary Cancer Syndrome. Identifiers: Orphanet 140162, MedGen C0027672, MeSH D009386, MONDO:0015356.
Familial cancer of breast. Also called: hereditary breast carcinoma; BREAST CANCER, FAMILIAL; Hereditary breast cancer. Identifiers: Orphanet 227535, MedGen C0346153, MONDO:0016419, OMIM 114480. Disease mechanism: loss of function.

Allele frequency attached by ClinVar (database versions not stated): TOPMed below 0.00001; gnomAD 0.00001.
gnomAD v4.1: 1 of 1,613,932 alleles (0.000062%); highest among the groups gnomAD compares: Non-Finnish European, 0.000085%; no homozygotes.

Submissions (2):

Labcorp Genetics (formerly Invitae), Labcorp
Classification: Uncertain significance for Familial cancer of breast. Last evaluated: 2025-08-20. Review status: criteria provided, single submitter. Criteria: Invitae Variant Classification Sherloc (09022015). Collection method: clinical testing. Allele origin: germline.
Comment: This sequence change replaces histidine, which is basic and polar, with arginine, which is basic and polar, at codon 553 of the PALB2 protein (p.His553Arg). This variant is not present in population databases (gnomAD no frequency). This variant has not been reported in the literature in individuals affected with PALB2-related conditions. ClinVar contains an entry for this variant (Variation ID: 642417). Invitae Evidence Modeling of protein sequence and biophysical properties (such as structural, functional, and spatial information, amino acid conservation, physicochemical variation, residue mobility, and thermodynamic stability) indicates that this missense variant is not expected to disrupt PALB2 protein function with a negative predictive value of 80%. In summary, the available evidence is currently insufficient to determine the role of this variant in disease. Therefore, it has been classified as a Variant of Uncertain Significance.

Ambry Genetics
Classification: Uncertain significance for Hereditary cancer-predisposing syndrome. Last evaluated: 2023-05-27. Review status: criteria provided, single submitter. Criteria: Ambry Variant Classification Scheme 2023. Collection method: clinical testing. Allele origin: germline.
Comment: The p.H553R variant (also known as c.1658A>G), located in coding exon 4 of the PALB2 gene, results from an A to G substitution at nucleotide position 1658. The histidine at codon 553 is replaced by arginine, an amino acid with highly similar properties. This amino acid position is conserved. In addition, this alteration is predicted to be tolerated by in silico analysis. Since supporting evidence is limited at this time, the clinical significance of this alteration remains unclear.

NM_024675.4(PALB2):c.1658A>G (p.His553Arg)

Gene: PALB2 (partner and localizer of BRCA2; minus strand). Cytogenetic location: 16p12.2.
Variant type: single nucleotide variant.
Coding change: c.1658A>G on transcript NM_024675.4 (MANE Select); coding-DNA position 1658, A replaced by G.
Protein change: p.His553Arg; replaces histidine 553 with arginine.
Molecular consequence: missense variant.
Genome position (GRCh38, 1-based): chr16:23,634,888, T>C on the plus strand (A>G on the coding strand, the complement: PALB2 is on the minus strand). VCF-style: chr16-23634888-T-C. GRCh37 (hg19) VCF-style: chr16-23646209-T-C.
Other names: short protein forms H553R.
Identifiers: ClinVar variation 642417 (VCV000642417.5), dbSNP rs1482172344, ClinGen allele CA395130060.